The following is an entry in ClinVar:

NM_014000.3(VCL):c.1526T>C (p.Val509Ala)

Gene: VCL (vinculin; plus strand). Cytogenetic location: 10q22.2.
Variant type: single nucleotide variant.
Coding change: c.1526T>C on transcript NM_014000.3 (MANE Select); coding-DNA position 1526, T replaced by C.
Protein change: p.Val509Ala; replaces valine 509 with alanine.
Molecular consequence: missense variant.
Genome position (GRCh38, 1-based): chr10:74,094,444, T>C. VCF-style: chr10-74094444-T-C. GRCh37 (hg19) VCF-style: chr10-75854202-T-C.
Other names: c.1526T>C, p.Val509Ala (NM_003373.4); short protein forms V509A.
Identifiers: ClinVar variation 3669481 (VCV003669481.2).

ClinVar aggregate classification (germline): Uncertain significance (1 of 4 stars; one submission).

Conditions:
Dilated cardiomyopathy 1W (CMD1W). Identifiers: Orphanet 154, MedGen C1969639, MONDO:0012667, OMIM 611407.

Submission:

Labcorp Genetics (formerly Invitae), Labcorp
Classification: Uncertain significance for Dilated cardiomyopathy 1W. Last evaluated: 2024-05-09. Review status: criteria provided, single submitter. Criteria: Invitae Variant Classification Sherloc (09022015). Collection method: clinical testing. Allele origin: germline.
Comment: This sequence change replaces valine, which is neutral and non-polar, with alanine, which is neutral and non-polar, at codon 509 of the VCL protein (p.Val509Ala). This variant is not present in population databases (gnomAD no frequency). This variant has not been reported in the literature in individuals affected with VCL-related conditions. An algorithm developed to predict the effect of missense changes on protein structure and function (PolyPhen-2) suggests that this variant is likely to be tolerated. In summary, the available evidence is currently insufficient to determine the role of this variant in disease. Therefore, it has been classified as a Variant of Uncertain Significance.